The following is an entry in ClinVar:

ClinVar aggregate classification (germline): Uncertain significance (1 of 4 stars; one submission).

Allele frequency attached by ClinVar (database versions not stated): gnomAD exomes below 0.00001; ExAC 0.00001; TOPMed 0.00001.
gnomAD v4.1: 4 of 1,614,122 alleles (0.00025%); highest among the groups gnomAD compares: South Asian, 0.0011%; no homozygotes.

Submission:

Labcorp Genetics (formerly Invitae), Labcorp
Classification: Uncertain significance. Last evaluated: 2022-08-03. Review status: criteria provided, single submitter. Criteria: Invitae Variant Classification Sherloc (09022015). Collection method: clinical testing. Allele origin: germline.
Comment: In summary, the available evidence is currently insufficient to determine the role of this variant in disease. Therefore, it has been classified as a Variant of Uncertain Significance. Algorithms developed to predict the effect of missense changes on protein structure and function output the following: SIFT: "Tolerated"; PolyPhen-2: "Probably Damaging"; Align-GVGD: "Class C0". The isoleucine amino acid residue is found in multiple mammalian species, which suggests that this missense change does not adversely affect protein function. This variant has not been reported in the literature in individuals affected with IMPG1-related conditions. This variant is present in population databases (rs779416022, gnomAD 0.0009%). This sequence change replaces leucine, which is neutral and non-polar, with isoleucine, which is neutral and non-polar, at codon 137 of the IMPG1 protein (p.Leu137Ile).

NM_001563.4(IMPG1):c.409C>A (p.Leu137Ile)

Gene: IMPG1 (interphotoreceptor matrix proteoglycan 1; minus strand). Cytogenetic location: 6q14.1.
Variant type: single nucleotide variant.
Coding change: c.409C>A on transcript NM_001563.4 (MANE Select); coding-DNA position 409, C replaced by A.
Protein change: p.Leu137Ile; replaces leucine 137 with isoleucine.
Molecular consequence: missense variant.
Genome position (GRCh38, 1-based): chr6:76,034,680, G>T on the plus strand (C>A on the coding strand, the complement: IMPG1 is on the minus strand). VCF-style: chr6-76034680-G-T. GRCh37 (hg19) VCF-style: chr6-76744397-G-T.
Other names: c.175C>A, p.Leu59Ile (NM_001282368.2); short protein forms L59I, L137I.
Identifiers: ClinVar variation 1966323 (VCV001966323.5), dbSNP rs779416022, ClinGen allele CA3898543.